The following is an entry in ClinVar:

ClinVar aggregate classification (germline): Benign/Likely benign. Review status: criteria provided, multiple submitters, no conflicts (2 of 4 stars). 3 submissions from 3 submitters: Benign (1); Likely benign (2). Last evaluated 2026-01-28.

Conditions:
Hereditary cancer-predisposing syndrome. Also called: Tumor predisposition; Hereditary Cancer Syndrome; Neoplastic Syndromes, Hereditary; Hereditary neoplastic syndrome. Identifiers: Orphanet 140162, MedGen C0027672, MeSH D009386, MONDO:0015356.
Tuberous sclerosis 1 (TSC1). Identifiers: Orphanet 805, MedGen C1854465, MONDO:0008612, OMIM 191100.

Allele frequency attached by ClinVar (database versions not stated): gnomAD 0.00001; TOPMed 0.00001; gnomAD exomes 0.00002; ExAC 0.00003; ESP Exome Variant Server 0.00008; 1000 Genomes Project 30x 0.00016; 1000 Genomes Project 0.00020.
gnomAD v4.1: 24 of 1,614,226 alleles (0.0015%); highest among the groups gnomAD compares: East Asian, 0.051%; no homozygotes.

Submissions (3):

Labcorp Genetics (formerly Invitae), Labcorp
Classification: Likely benign for Tuberous sclerosis 1. Last evaluated: 2026-01-28. Review status: criteria provided, single submitter. Criteria: Invitae Variant Classification Sherloc (09022015). Collection method: clinical testing. Allele origin: germline.

Myriad Genetics, Inc.
Classification: Benign for Tuberous sclerosis 1. Last evaluated: 2025-04-08. Review status: criteria provided, single submitter. Criteria: Myriad Autosomal Dominant, Autosomal Recessive and X-Linked Classification Criteria (2023). Collection method: clinical testing. Allele origin: unknown.
Comment: This variant is considered benign. This variant is a silent/synonymous amino acid change and it is not expected to impact splicing.

Ambry Genetics
Classification: Likely benign for Hereditary cancer-predisposing syndrome. Last evaluated: 2020-02-03. Review status: criteria provided, single submitter. Criteria: Ambry Variant Classification Scheme 2023. Collection method: clinical testing. Allele origin: germline.

NM_000368.5(TSC1):c.270C>T (p.Leu90=)

Gene: TSC1 (TSC complex subunit 1; minus strand). Cytogenetic location: 9q34.13.
Variant type: single nucleotide variant.
Coding change: c.270C>T on transcript NM_000368.5 (MANE Select); coding-DNA position 270, C replaced by T.
Protein change: p.Leu90=; no amino-acid change (leucine 90 retained).
Molecular consequence: synonymous variant. On other transcripts: 5 prime UTR variant (1), intron variant (1).
Genome position (GRCh38, 1-based): chr9:132,925,680, G>A on the plus strand (C>T on the coding strand, the complement: TSC1 is on the minus strand). VCF-style: chr9-132925680-G-A. GRCh37 (hg19) VCF-style: chr9-135801067-G-A.
Other names: c.270C>T, p.Leu90= (NM_001162426.2); c.-94C>T (NM_001362177.2); c.210+1521C>T (NM_001162427.2).
Identifiers: ClinVar variation 753781 (VCV000753781.14), dbSNP rs142325036, ClinGen allele CA034385.